The following is an entry in ClinVar:

ClinVar aggregate classification (germline): Benign. Review status: criteria provided, multiple submitters, no conflicts (2 of 4 stars). 5 submissions from 5 submitters: Benign (4). 1 of the submissions does not count toward it. Last evaluated 2024-01-24.

Conditions:
PGM1-congenital disorder of glycosylation. Also called: Congenital disorder of glycosylation type 1t; PHOSPHOGLUCOMUTASE 1 DEFICIENCY; PGM1 DEFICIENCY; GLYCOGEN STORAGE DISEASE XIV; GSD XIV; CDG It. Identifiers: Orphanet 319646, MedGen C2752015, MONDO:0013968, OMIM 614921.

Allele frequency attached by ClinVar (database versions not stated): ExAC 0.41411; gnomAD exomes 0.41590; ESP Exome Variant Server 0.42350; gnomAD 0.45082; TOPMed 0.45115; 1000 Genomes Project 0.50020; 1000 Genomes Project 30x 0.50047.
gnomAD v4.1: 615,771 of 1,600,438 alleles (38%); highest among the groups gnomAD compares: East Asian, 63%; 122,672 homozygotes.

Submissions (5):

Unidad de Genómica Garrahan, Hospital de Pediatría Garrahan
Classification: Benign. Last evaluated: 2024-01-24. Review status: criteria provided, single submitter. Criteria: ACMG Guidelines, 2015. Collection method: clinical testing. Allele origin: germline. Affected: no. Observed: 65 variant alleles.
Comment: This variant is classified as Benign based on local population frequency. This variant was detected in 68% of patients studied by a panel of primary immunodeficiencies. Number of patients: 65. Only high quality variants are reported.

Genome-Nilou Lab
Classification: Benign for PGM1-congenital disorder of glycosylation. Last evaluated: 2021-09-05. Review status: criteria provided, single submitter. Criteria: ACMG Guidelines, 2015. Collection method: clinical testing. Allele origin: germline. Affected: no.

GeneDx
Classification: Benign. Last evaluated: 2018-06-14. Review status: criteria provided, single submitter. Criteria: GeneDx Variant Classification (06012015). Collection method: clinical testing. Allele origin: germline. Affected: yes.
Comment: This variant is considered likely benign or benign based on one or more of the following criteria: it is a conservative change, it occurs at a poorly conserved position in the protein, it is predicted to be benign by multiple in silico algorithms, and/or has population frequency not consistent with disease.

Breakthrough Genomics
Classification: Benign. Review status: criteria provided, single submitter. Criteria: ACMG Guidelines, 2015. Collection method: not provided. Allele origin: germline. Inheritance: Autosomal recessive inheritance. Affected: yes.

Mayo Clinic Laboratories, Mayo Clinic
Classification: Benign. Last evaluated: 2015-10-23. Review status: no assertion criteria provided. Collection method: clinical testing. Allele origin: unknown. Not counted in ClinVar's aggregate classification.

NM_002633.3(PGM1):c.683-22A>T

Gene: PGM1 (phosphoglucomutase 1; plus strand). Cytogenetic location: 1p31.3.
Variant type: single nucleotide variant.
Coding change: c.683-22A>T on transcript NM_002633.3 (MANE Select); 22 bases into the intron before coding-DNA position 683, A replaced by T.
Molecular consequence: intron variant.
Genome position (GRCh38, 1-based): chr1:63,634,807, A>T. VCF-style: chr1-63634807-A-T. GRCh37 (hg19) VCF-style: chr1-64100478-A-T.
Other names: c.92-22A>T (NM_001172819.2); c.737-22A>T (NM_001172818.1).
Identifiers: ClinVar variation 558803 (VCV000558803.11), dbSNP rs6588052, ClinGen allele CA889610.
Genomic context (GRCh38, chr1:63,634,807, plus strand): 5'-TCCACCTCACCCCTGAATCCTCACATACTTTAAGGAGTTTTATTTTCTGATTCTGCATAC[A>T]TTTATTCCATGCTGTATATAGTTGTGGGACCGTATGTAAAGAAGATCCTCTGTGAAGAAC-3'